The following is an entry in ClinVar:

ClinVar aggregate classification (germline): Uncertain significance. Review status: criteria provided, multiple submitters, no conflicts (2 of 4 stars). 2 submissions from 2 submitters: Uncertain significance (2). Last evaluated 2024-12-16.

Conditions:
Inborn genetic diseases. Identifiers: MedGen C0950123, MeSH D030342.

Allele frequency attached by ClinVar (database versions not stated): gnomAD exomes below 0.00001; TOPMed below 0.00001.
gnomAD v4.1: 2 of 1,610,080 alleles (0.00012%); highest among the groups gnomAD compares: Non-Finnish European, 0.000085%; no homozygotes.

Submissions (2):

Ambry Genetics
Classification: Uncertain significance for Inborn genetic diseases. Last evaluated: 2024-12-16. Review status: criteria provided, single submitter. Criteria: Ambry Variant Classification Scheme 2023. Collection method: clinical testing. Allele origin: germline.
Comment: The p.G378R variant (also known as c.1132G>A), located in coding exon 12 of the RTEL1 gene, results from a G to A substitution at nucleotide position 1132. The glycine at codon 378 is replaced by arginine, an amino acid with dissimilar properties. This amino acid position is conserved. In addition, the in silico prediction for this alteration is inconclusive. Based on the available evidence, the clinical significance of this variant remains unclear.

Mayo Clinic Laboratories, Mayo Clinic
Classification: Uncertain significance. Last evaluated: 2020-03-26. Review status: criteria provided, single submitter. Criteria: ACMG Guidelines, 2015. Collection method: clinical testing. Allele origin: germline. Observed: 1 variant allele.

NM_001283009.2(RTEL1):c.1132G>A (p.Gly378Arg)

Genes: RTEL1 (regulator of telomere elongation helicase 1; plus strand), RTEL1-TNFRSF6B (RTEL1-TNFRSF6B readthrough (NMD candidate); plus strand). Cytogenetic location: 20q13.33.
Variant type: single nucleotide variant.
Coding change: c.1132G>A on transcript NM_001283009.2 (MANE Select); coding-DNA position 1132, G replaced by A.
Protein change: p.Gly378Arg; replaces glycine 378 with arginine.
Molecular consequence: missense variant. On other transcripts: non-coding transcript variant (1).
Genome position (GRCh38, 1-based): chr20:63,679,943, G>A. VCF-style: chr20-63679943-G-A. GRCh37 (hg19) VCF-style: chr20-62311296-G-A.
Other names: c.463G>A, p.Gly155Arg (NM_001283010.1); c.1132G>A, p.Gly378Arg (NM_016434.4); c.1204G>A, p.Gly402Arg (NM_032957.5); short protein forms G155R, G378R, G402R.
Identifiers: ClinVar variation 1163655 (VCV001163655.6), dbSNP rs1433490184, ClinGen allele CA409674066.